The following is an entry in ClinVar:

NM_203447.4(DOCK8):c.3586C>T (p.His1196Tyr)

Gene: DOCK8 (dedicator of cytokinesis 8; plus strand). Cytogenetic location: 9p24.3.
Variant type: single nucleotide variant.
Coding change: c.3586C>T on transcript NM_203447.4 (MANE Select); coding-DNA position 3586, C replaced by T.
Protein change: p.His1196Tyr; replaces histidine 1196 with tyrosine.
Molecular consequence: missense variant.
Genome position (GRCh38, 1-based): chr9:414,837, C>T. VCF-style: chr9-414837-C-T. GRCh37 (hg19) VCF-style: chr9-414837-C-T.
Other names: c.3286C>T, p.His1096Tyr (NM_001190458.2); c.3382C>T, p.His1128Tyr (NM_001193536.2); short protein forms H1096Y, H1128Y, H1196Y.
Identifiers: ClinVar variation 1052909 (VCV001052909.13), dbSNP rs1454658818, ClinGen allele CA372760456.

ClinVar aggregate classification (germline): Uncertain significance. Review status: criteria provided, multiple submitters, no conflicts (2 of 4 stars). 2 submissions from 2 submitters: Uncertain significance (2). Last evaluated 2020-01-13.

Allele frequency attached by ClinVar (database versions not stated): gnomAD exomes 0.00001; TOPMed 0.00002; gnomAD 0.00003 and 0.00004.
gnomAD v4.1: 9 of 1,614,078 alleles (0.00056%); highest among the groups gnomAD compares: Admixed American, 0.012%; no homozygotes.

Submissions (2):

Labcorp Genetics (formerly Invitae), Labcorp
Classification: Uncertain significance for Combined immunodeficiency due to DOCK8 deficiency. Last evaluated: 2020-01-13. Review status: criteria provided, single submitter. Criteria: Invitae Variant Classification Sherloc (09022015). Collection method: clinical testing. Allele origin: germline.
Comment: In summary, the available evidence is currently insufficient to determine the role of this variant in disease. Therefore, it has been classified as a Variant of Uncertain Significance. Algorithms developed to predict the effect of missense changes on protein structure and function (SIFT, PolyPhen-2, Align-GVGD) all suggest that this variant is likely to be disruptive, but these predictions have not been confirmed by published functional studies and their clinical significance is uncertain. This variant has not been reported in the literature in individuals with DOCK8-related conditions. This variant is not present in population databases (ExAC no frequency). This sequence change replaces histidine with tyrosine at codon 1196 of the DOCK8 protein (p.His1196Tyr). The histidine residue is highly conserved and there is a moderate physicochemical difference between histidine and tyrosine.

Blueprint Genetics
Classification: Uncertain significance. Last evaluated: 2018-09-17. Review status: criteria provided, single submitter. Criteria: ACMG Guidelines, 2015. Collection method: clinical testing. Allele origin: germline.